The following is an entry in ClinVar:

ClinVar aggregate classification (germline): Pathogenic. Review status: criteria provided, multiple submitters, no conflicts (2 of 4 stars). 2 submissions from 2 submitters: Pathogenic (2). Last evaluated 2017-01-17.

Conditions:
Hereditary breast ovarian cancer syndrome. Also called: Hereditary breast and ovarian cancer syndrome (HBOC); Breast and ovarian cancer; Hereditary breast and ovarian cancer syndrome; Hereditary breast and ovarian cancer; BRCA1- and BRCA2-Associated Hereditary Breast and Ovarian Cancer; Hereditary breast and/or ovarian cancer syndrome. Identifiers: Orphanet 145, MedGen C0677776, MeSH D061325, MONDO:0003582. Disease mechanism: loss of function.
Breast-ovarian cancer, familial, susceptibility to, 1 (BROVCA1). Also called: BRCA1 Hereditary Breast and Ovarian Cancer; OVARIAN CANCER, SUSCEPTIBILITY TO. Identifiers: Orphanet 145, MedGen C2676676, MONDO:0011450, OMIM 604370. Disease mechanism: loss of function.

Submissions (2):

Labcorp Genetics (formerly Invitae), Labcorp
Classification: Pathogenic for Hereditary breast ovarian cancer syndrome. Last evaluated: 2017-01-17. Review status: criteria provided, single submitter. Criteria: Invitae Variant Classification Sherloc (09022015). Collection method: clinical testing. Allele origin: germline.
Comment: This variant is a gross deletion of the genomic region encompassing exons 7-8 of the BRCA1 gene. This creates a premature translational stop signal and is expected to result in an absent or disrupted protein product. Gross deletions in BRCA1 are known to be pathogenic. Deletions of exons 7-8 have been reported in individuals and families affected with hereditary breast and ovarian cancer (PMID: 18703817, 16551709, 10862036). Similar deletions are also known as deletions of exons 8-9 in the literature. For these reasons, this variant has been classified as Pathogenic.

Consortium of Investigators of Modifiers of BRCA1/2 (CIMBA), c/o University of Cambridge
Classification: Pathogenic for Breast-ovarian cancer, familial, susceptibility to, 1. Last evaluated: 2015-10-02. Review status: criteria provided, single submitter. Criteria: CIMBA Mutation Classification guidelines May 2016. Collection method: clinical testing. Allele origin: germline.

NM_007294.3(BRCA1):c.442-?_593+?del

Gene: BRCA1 (BRCA1 DNA repair associated; minus strand). Cytogenetic location: 17q21.31.
Variant type: Deletion.
Coding change: c.442-?_593+?del on transcript NM_007294.3.
Other names: c.442-?_593+?del (LRG_292t1).
Identifiers: ClinVar variation 254047 (VCV000254047.3).